The following is an entry in ClinVar:

ClinVar aggregate classification (germline): Uncertain significance (1 of 4 stars; one submission).

Allele frequency attached by ClinVar (database versions not stated): gnomAD exomes 0.00002; ExAC 0.00001; gnomAD 0.00002; TOPMed 0.00002.
gnomAD v4.1: 26 of 1,611,582 alleles (0.0016%); highest among the groups gnomAD compares: Non-Finnish European, 0.002%; no homozygotes.

Submission:

Labcorp Genetics (formerly Invitae), Labcorp
Classification: Uncertain significance. Last evaluated: 2025-08-29. Review status: criteria provided, single submitter. Criteria: Invitae Variant Classification Sherloc (09022015). Collection method: clinical testing. Allele origin: germline.
Comment: This sequence change replaces tyrosine, which is neutral and polar, with histidine, which is basic and polar, at codon 537 of the TRIM8 protein (p.Tyr537His). This variant is present in population databases (rs756354864, gnomAD 0.002%). This variant has not been reported in the literature in individuals affected with TRIM8-related conditions. ClinVar contains an entry for this variant (Variation ID: 2987996). An algorithm developed to predict the effect of missense changes on protein structure and function (PolyPhen-2) suggests that this variant is likely to be disruptive. In summary, the available evidence is currently insufficient to determine the role of this variant in disease. Therefore, it has been classified as a Variant of Uncertain Significance.

NM_030912.3(TRIM8):c.1609T>C (p.Tyr537His)

Gene: TRIM8 (tripartite motif containing 8; plus strand). Cytogenetic location: 10q24.32.
Variant type: single nucleotide variant.
Coding change: c.1609T>C on transcript NM_030912.3 (MANE Select); coding-DNA position 1609, T replaced by C.
Protein change: p.Tyr537His; replaces tyrosine 537 with histidine.
Molecular consequence: missense variant. On other transcripts: non-coding transcript variant (1).
Genome position (GRCh38, 1-based): chr10:102,657,307, T>C. VCF-style: chr10-102657307-T-C. GRCh37 (hg19) VCF-style: chr10-104417064-T-C.
Other names: c.1513T>C, p.Tyr505His (NM_001345950.1); short protein forms Y505H, Y537H.
Identifiers: ClinVar variation 2987996 (VCV002987996.3), dbSNP rs756354864, ClinGen allele CA5668347.